The following is an entry in ClinVar:

NM_016343.4(CENPF):c.5891G>A (p.Arg1964His)

Gene: CENPF (centromere protein F; plus strand). Cytogenetic location: 1q41.
Variant type: single nucleotide variant.
Coding change: c.5891G>A on transcript NM_016343.4 (MANE Select); coding-DNA position 5891, G replaced by A.
Protein change: p.Arg1964His; replaces arginine 1964 with histidine.
Molecular consequence: missense variant.
Genome position (GRCh38, 1-based): chr1:214,645,461, G>A. VCF-style: chr1-214645461-G-A. GRCh37 (hg19) VCF-style: chr1-214818804-G-A.
Other names: short protein forms R1964H.
Identifiers: ClinVar variation 1188102 (VCV001188102.35), dbSNP rs78580151, ClinGen allele CA1390866.
Genomic context (GRCh38, chr1:214,645,461, plus strand): 5'-AGGTTATTGTCTGCCTTGAAGAAGAACTCTCAGTGGTCACAAGTGAGAGAAACCAGCTTC[G>A]TGGAGAATTAGATACTATGTCAAAAAAAACCACGGCACTGGATCAGTTGTCTGAAAAAAT-3'
Protein context (NP_057427.3, residues 1954-1974): SVVTSERNQL[Arg1964His]GELDTMSKKT

ClinVar aggregate classification (germline): Benign/Likely benign. Review status: criteria provided, multiple submitters, no conflicts (2 of 4 stars). 4 submissions from 4 submitters: Benign (1); Likely benign (3). Last evaluated 2026-01-01.

Allele frequency attached by ClinVar (database versions not stated): gnomAD exomes 0.00025 and 0.00068; ExAC 0.00073; 1000 Genomes Project 30x 0.00234; 1000 Genomes Project 0.00240; gnomAD 0.00314 and 0.00342; TOPMed 0.00314; ESP Exome Variant Server 0.00331.
gnomAD v4.1: 875 of 1,613,920 alleles (0.054%); highest among the groups gnomAD compares: African/African-American, 0.98%; 6 homozygotes.

Submissions (4):

CeGaT Center for Human Genetics Tuebingen
Classification: Likely benign. Last evaluated: 2026-01-01. Review status: criteria provided, single submitter. Criteria: CeGaT Center For Human Genetics Tuebingen Variant Classification Criteria Version 2. Collection method: clinical testing. Allele origin: germline. Affected: yes. Observed: 2 variant alleles.
Comment: CENPF: BP4, BS1

Labcorp Genetics (formerly Invitae), Labcorp
Classification: Benign. Last evaluated: 2025-06-12. Review status: criteria provided, single submitter. Criteria: Invitae Variant Classification Sherloc (09022015). Collection method: clinical testing. Allele origin: germline.

Blueprint Genetics
Classification: Likely benign. Last evaluated: 2024-09-11. Review status: criteria provided, single submitter. Criteria: ACMG Guidelines, 2015. Collection method: clinical testing. Allele origin: germline.

GeneDx
Classification: Likely benign. Last evaluated: 2019-11-20. Review status: criteria provided, single submitter. Criteria: GeneDx Variant Classification Process June 2021. Collection method: clinical testing. Allele origin: germline. Affected: yes.